The following is an entry in ClinVar:

ClinVar aggregate classification (germline): Uncertain significance (1 of 4 stars; one submission).

Allele frequency attached by ClinVar (database versions not stated): ExAC 0.00001; gnomAD 0.00001; TOPMed 0.00002.
gnomAD v4.1: 10 of 1,613,190 alleles (0.00062%); highest among the groups gnomAD compares: Admixed American, 0.01%; no homozygotes.

Submission:

Labcorp Genetics (formerly Invitae), Labcorp
Classification: Uncertain significance. Last evaluated: 2024-01-01. Review status: criteria provided, single submitter. Criteria: Invitae Variant Classification Sherloc (09022015). Collection method: clinical testing. Allele origin: germline.
Comment: This sequence change replaces proline, which is neutral and non-polar, with threonine, which is neutral and polar, at codon 2122 of the NIN protein (p.Pro2122Thr). This variant is present in population databases (rs747976003, gnomAD 0.009%). This variant has not been reported in the literature in individuals affected with NIN-related conditions. ClinVar contains an entry for this variant (Variation ID: 2174816). Experimental studies and prediction algorithms are not available or were not evaluated, and the functional significance of this variant is currently unknown. In summary, the available evidence is currently insufficient to determine the role of this variant in disease. Therefore, it has been classified as a Variant of Uncertain Significance.

NM_020921.4(NIN):c.6364C>A (p.Pro2122Thr)

Gene: NIN (ninein; minus strand). Cytogenetic location: 14q22.1.
Variant type: single nucleotide variant.
Coding change: c.6364C>A on transcript NM_020921.4 (MANE Select); coding-DNA position 6364, C replaced by A.
Protein change: p.Pro2122Thr; replaces proline 2122 with threonine.
Molecular consequence: missense variant.
Genome position (GRCh38, 1-based): chr14:50,723,501, G>T on the plus strand (C>A on the coding strand, the complement: NIN is on the minus strand). VCF-style: chr14-50723501-G-T. GRCh37 (hg19) VCF-style: chr14-51190219-G-T.
Other names: short protein forms P2122T.
Identifiers: ClinVar variation 2174816 (VCV002174816.4), dbSNP rs747976003, ClinGen allele CA7180915.